The following is an entry in ClinVar:

ClinVar aggregate classification (germline): Uncertain significance. Review status: criteria provided, multiple submitters, no conflicts (2 of 4 stars). 2 submissions from 2 submitters: Uncertain significance (2). Last evaluated 2025-06-07.

Conditions:
Inborn genetic diseases. Identifiers: MedGen C0950123, MeSH D030342.

Allele frequency attached by ClinVar (database versions not stated): gnomAD exomes below 0.00001.
gnomAD v4.1: 1 of 1,613,904 alleles (0.000062%); highest among the groups gnomAD compares: Non-Finnish European, 0.000085%; no homozygotes.

Submissions (2):

Ambry Genetics
Classification: Uncertain significance for Inborn genetic diseases. Last evaluated: 2025-06-07. Review status: criteria provided, single submitter. Criteria: Ambry Variant Classification Scheme 2023. Collection method: clinical testing. Allele origin: germline.

Women's Health and Genetics/Laboratory Corporation of America, LabCorp
Classification: Uncertain significance. Last evaluated: 2024-03-06. Review status: criteria provided, single submitter. Criteria: LabCorp Variant Classification Summary - May 2015. Collection method: clinical testing. Allele origin: germline.
Comment: Variant summary: RELN c.4108A>G (p.Arg1370Gly) results in a non-conservative amino acid change in the encoded protein sequence. Three of five in-silico tools predict a damaging effect of the variant on protein function. The variant was absent in 251102 control chromosomes (gnomAD). The available data on variant occurrences in the general population are insufficient to allow any conclusion about variant significance. To our knowledge, no occurrence of c.4108A>G in individuals affected with Epilepsy Familial Temporal Lobe 7 and no experimental evidence demonstrating its impact on protein function have been reported. No submitters have cited clinical-significance assessments for this variant to ClinVar. Based on the evidence outlined above, the variant was classified as uncertain significance.

NM_005045.4(RELN):c.4108A>G (p.Arg1370Gly)

Gene: RELN (reelin; minus strand). Cytogenetic location: 7q22.1.
Variant type: single nucleotide variant.
Coding change: c.4108A>G on transcript NM_005045.4 (MANE Select); coding-DNA position 4108, A replaced by G.
Protein change: p.Arg1370Gly; replaces arginine 1370 with glycine.
Molecular consequence: missense variant.
Genome position (GRCh38, 1-based): chr7:103,589,633, T>C on the plus strand (A>G on the coding strand, the complement: RELN is on the minus strand). VCF-style: chr7-103589633-T-C. GRCh37 (hg19) VCF-style: chr7-103230080-T-C.
Other names: c.4108A>G, p.Arg1370Gly (NM_173054.3); c.4108A>G (NM_005045.3); short protein forms R1370G.
Identifiers: ClinVar variation 3233639 (VCV003233639.3), dbSNP rs1831362992, ClinGen allele CA368755592.
Genomic context (GRCh38, chr7:103,589,633, plus strand): 5'-CCCATTAAGAATGATTACTTTACCTGGATGCAAGAGACCTTGGAATAACAATGGTGATTC[T>C]TGTCCATTCTTCAAAGTCCCCTGTGTGATACATGGTGGGCTCACTTAGTTCTCTGGAGTT-3'
Protein context (NP_005036.2, residues 1360-1380): YHTGDFEEWT[Arg1370Gly]ITIVIPRSLA